The following is an entry in ClinVar:

NM_003872.3(NRP2):c.2538G>A (p.Ser846=)

Gene: NRP2 (neuropilin 2; plus strand). Cytogenetic location: 2q33.3.
Variant type: single nucleotide variant.
Coding change: c.2538G>A on transcript NM_003872.3 (MANE Select); coding-DNA position 2538, G replaced by A.
Protein change: p.Ser846=; no amino-acid change (serine 846 retained).
Molecular consequence: synonymous variant.
Genome position (GRCh38, 1-based): chr2:205,794,815, G>A. VCF-style: chr2-205794815-G-A. GRCh37 (hg19) VCF-style: chr2-206659539-G-A.
Other names: c.2553G>A, p.Ser851= (NM_201266.2); c.2487G>A, p.Ser829= (NM_201279.2).
Identifiers: ClinVar variation 5000394 (VCV005000394.1).

ClinVar aggregate classification (germline): Likely benign (1 of 4 stars; one submission).

Conditions:
NRP2-related disorder. Also called: NRP2-related condition.

Submission:

PreventionGenetics, part of Exact Sciences
Classification: Likely benign for NRP2-related condition. Last evaluated: 2025-03-30. Review status: criteria provided, single submitter. Criteria: ACMG Guidelines, 2015. Collection method: clinical testing. Allele origin: germline.
Comment: This variant is classified as likely benign based on ACMG/AMP sequence variant interpretation guidelines (Richards et al. 2015 PMID: 25741868, with internal and published modifications).